The following is an entry in ClinVar:

ClinVar aggregate classification (germline): Likely benign (0 of 4 stars; one submission).

Conditions:
PLXNA1-related disorder. Also called: PLXNA1-related condition.

gnomAD v4.1: 95 of 1,610,398 alleles (0.0059%); highest among the groups gnomAD compares: South Asian, 0.1%; 1 homozygote.

Submission:

PreventionGenetics, part of Exact Sciences
Classification: Likely benign for PLXNA1-related condition. Last evaluated: 2024-08-13. Review status: no assertion criteria provided. Collection method: clinical testing. Allele origin: germline.
Comment: This variant is classified as likely benign based on ACMG/AMP sequence variant interpretation guidelines (Richards et al. 2015 PMID: 25741868, with internal and published modifications).

NM_032242.4(PLXNA1):c.2658C>A (p.Gly886=)

Gene: PLXNA1 (plexin A1; plus strand). Cytogenetic location: 3q21.3.
Variant type: single nucleotide variant.
Coding change: c.2658C>A on transcript NM_032242.4 (MANE Select); coding-DNA position 2658, C replaced by A.
Protein change: p.Gly886=; no amino-acid change (glycine 886 retained).
Molecular consequence: synonymous variant.
Genome position (GRCh38, 1-based): chr3:127,014,531, C>A. VCF-style: chr3-127014531-C-A. GRCh37 (hg19) VCF-style: chr3-126733374-C-A.
Identifiers: ClinVar variation 3352956 (VCV003352956.1).
Genomic context (GRCh38, chr3:127,014,531, plus strand): 5'-CCCTCAGCTGTCCCCCGAGACGGGCCCGAGGCAGGGCGGCACGCGGCTCACTATCACAGG[C>A]GAGAACCTGGGCCTGCGATTCGAAGACGTGCGTCTGGGCGTGCGCGTGGGCAAGGTGCTG-3'
Protein context (NP_115618.3, residues 876-896): RQGGTRLTIT[Gly886=]ENLGLRFEDV